The following is an entry in ClinVar:

ClinVar aggregate classification (germline): Uncertain significance (1 of 4 stars; one submission).

gnomAD v4.1: 1 of 1,602,172 alleles (0.000062%); highest among the groups gnomAD compares: Non-Finnish European, 0.000085%; no homozygotes.

Submission:

CeGaT Center for Human Genetics Tuebingen
Classification: Uncertain significance. Last evaluated: 2024-04-01. Review status: criteria provided, single submitter. Criteria: CeGaT Center For Human Genetics Tuebingen Variant Classification Criteria Version 2. Collection method: clinical testing. Allele origin: germline. Affected: yes. Observed: 1 variant allele.
Comment: PURA: PM2, PP2

NM_005859.5(PURA):c.389C>G (p.Pro130Arg)

Genes: PURA (purine rich element binding protein A; plus strand), LOC129994826 (ATAC-STARR-seq lymphoblastoid active region 23260; plus strand). Cytogenetic location: 5q31.3.
Variant type: single nucleotide variant.
Coding change: c.389C>G on transcript NM_005859.5 (MANE Select); coding-DNA position 389, C replaced by G.
Protein change: p.Pro130Arg; replaces proline 130 with arginine.
Molecular consequence: missense variant.
Genome position (GRCh38, 1-based): chr5:140,114,570, C>G. VCF-style: chr5-140114570-C-G. GRCh37 (hg19) VCF-style: chr5-139494155-C-G.
Other names: short protein forms P130R.
Identifiers: ClinVar variation 3234685 (VCV003234685.20), dbSNP rs1259966514, ClinGen allele CA361490658.